The following is an entry in ClinVar:

NM_153252.5(BRWD3):c.3662A>G (p.Asn1221Ser)

Gene: BRWD3 (bromodomain and WD repeat domain containing 3; minus strand). Cytogenetic location: Xq21.1.
Variant type: single nucleotide variant.
Coding change: c.3662A>G on transcript NM_153252.5 (MANE Select); coding-DNA position 3662, A replaced by G.
Protein change: p.Asn1221Ser; replaces asparagine 1221 with serine.
Molecular consequence: missense variant.
Genome position (GRCh38, 1-based): chrX:80,690,033, T>C on the plus strand (A>G on the coding strand, the complement: BRWD3 is on the minus strand). VCF-style: chrX-80690033-T-C. GRCh37 (hg19) VCF-style: chrX-79945532-T-C.
Other names: c.3512A>G, p.Asn1171Ser (NM_001441339.1); short protein forms N1171S, N1221S.
Identifiers: ClinVar variation 4975419 (VCV004975419.1).

ClinVar aggregate classification (germline): Uncertain significance (1 of 4 stars; one submission).

gnomAD v4.1: 2 of 1,207,177 alleles (0.00017%); highest among the groups gnomAD compares: Non-Finnish European, 0.00011%; no homozygotes.

Submission:

GeneDx
Classification: Uncertain significance. Last evaluated: 2026-02-02. Review status: criteria provided, single submitter. Criteria: GeneDx Variant Classification Process June 2021. Collection method: clinical testing. Allele origin: germline.
Comment: In silico analysis supports that this missense variant has a deleterious effect on protein structure/function; Has not been previously published as pathogenic or benign to our knowledge